The following is an entry in ClinVar:

NM_020937.4(FANCM):c.1485G>A (p.Met495Ile)

Gene: FANCM (FA complementation group M; plus strand). Cytogenetic location: 14q21.2.
Variant type: single nucleotide variant.
Coding change: c.1485G>A on transcript NM_020937.4 (MANE Select); coding-DNA position 1485, G replaced by A.
Protein change: p.Met495Ile; replaces methionine 495 with isoleucine.
Molecular consequence: missense variant.
Genome position (GRCh38, 1-based): chr14:45,159,184, G>A. VCF-style: chr14-45159184-G-A. GRCh37 (hg19) VCF-style: chr14-45628387-G-A.
Other names: c.1407G>A, p.Met469Ile (NM_001308133.2); c.1485G>A, p.Met495Ile (NM_001308134.2); short protein forms M469I, M495I.
Identifiers: ClinVar variation 3367967 (VCV003367967.1).

ClinVar aggregate classification (germline): Uncertain significance (1 of 4 stars; one submission).

Submission:

GeneDx
Classification: Uncertain significance. Last evaluated: 2024-01-17. Review status: criteria provided, single submitter. Criteria: GeneDx Variant Classification Process June 2021. Collection method: clinical testing. Allele origin: germline. Affected: yes.
Comment: Not observed at significant frequency in large population cohorts (gnomAD); In silico analysis supports that this missense variant has a deleterious effect on protein structure/function; Has not been previously published as pathogenic or benign to our knowledge